The following is an entry in ClinVar:

NM_001184.4(ATR):c.2462G>C (p.Arg821Thr)

Gene: ATR (ATR checkpoint kinase; minus strand). Cytogenetic location: 3q23.
Variant type: single nucleotide variant.
Coding change: c.2462G>C on transcript NM_001184.4 (MANE Select); coding-DNA position 2462, G replaced by C.
Protein change: p.Arg821Thr; replaces arginine 821 with threonine.
Molecular consequence: missense variant.
Genome position (GRCh38, 1-based): chr3:142,553,895, C>G on the plus strand (G>C on the coding strand, the complement: ATR is on the minus strand). VCF-style: chr3-142553895-C-G. GRCh37 (hg19) VCF-style: chr3-142272737-C-G.
Other names: c.2270G>C, p.Arg757Thr (NM_001354579.2); short protein forms R757T, R821T.
Identifiers: ClinVar variation 964091 (VCV000964091.9), dbSNP rs2034569564, ClinGen allele CA354816602.

ClinVar aggregate classification (germline): Uncertain significance (1 of 4 stars; one submission).

Submission:

Labcorp Genetics (formerly Invitae), Labcorp
Classification: Uncertain significance. Last evaluated: 2019-10-20. Review status: criteria provided, single submitter. Criteria: Invitae Variant Classification Sherloc (09022015). Collection method: clinical testing. Allele origin: germline.
Comment: In summary, the available evidence is currently insufficient to determine the role of this variant in disease. Therefore, it has been classified as a Variant of Uncertain Significance. Algorithms developed to predict the effect of missense changes on protein structure and function (SIFT, PolyPhen-2, Align-GVGD) all suggest that this variant is likely to be disruptive, but these predictions have not been confirmed by published functional studies and their clinical significance is uncertain. This variant has not been reported in the literature in individuals with ATR-related conditions. This variant is not present in population databases (ExAC no frequency). This sequence change replaces arginine with threonine at codon 821 of the ATR protein (p.Arg821Thr). The arginine residue is highly conserved and there is a moderate physicochemical difference between arginine and threonine.